The following is an entry in ClinVar:

ClinVar aggregate classification (germline): Uncertain significance (1 of 4 stars; one submission).

Conditions:
Arrhythmogenic cardiomyopathy with wooly hair and keratoderma. Also called: Carvajal syndrome; PALMOPLANTAR KERATODERMA WITH LEFT VENTRICULAR CARDIOMYOPATHY AND WOOLLY HAIR; Dilated cardiomyopathy with woolly hair and keratoderma; Arrhythmogenic cardiomyopathy with woolly hair and keratoderma. Identifiers: Orphanet 65282, MedGen C1854063, MONDO:0011581, OMIM 605676.
Arrhythmogenic right ventricular dysplasia 8 (ARVD8). Also called: Arrhythmogenic Right Ventricular Dysplasia/Cardiomyopathy 8; ARRHYTHMOGENIC RIGHT VENTRICULAR DYSPLASIA, FAMILIAL, 8; ARRHYTHMOGENIC RIGHT VENTRICULAR CARDIOMYOPATHY 8. Identifiers: MedGen C1843896, MONDO:0011831, OMIM 607450.

Allele frequency attached by ClinVar (database versions not stated): gnomAD exomes below 0.00001.
gnomAD v4.1: 5 of 1,614,212 alleles (0.00031%); highest among the groups gnomAD compares: Non-Finnish European, 0.00042%; no homozygotes.

Submission:

Labcorp Genetics (formerly Invitae), Labcorp
Classification: Uncertain significance for Arrhythmogenic cardiomyopathy with wooly hair and keratoderma; Arrhythmogenic right ventricular dysplasia 8. Last evaluated: 2019-09-06. Review status: criteria provided, single submitter. Criteria: Invitae Variant Classification Sherloc (09022015). Collection method: clinical testing. Allele origin: germline.
Comment: In summary, the available evidence is currently insufficient to determine the role of this variant in disease. Therefore, it has been classified as a Variant of Uncertain Significance. Algorithms developed to predict the effect of missense changes on protein structure and function (SIFT, PolyPhen-2, Align-GVGD) all suggest that this variant is likely to be disruptive, but these predictions have not been confirmed by published functional studies and their clinical significance is uncertain. This variant has not been reported in the literature in individuals with DSP-related conditions. This variant is not present in population databases (ExAC no frequency). This sequence change replaces glycine with arginine at codon 2016 of the DSP protein (p.Gly2016Arg). The glycine residue is highly conserved and there is a moderate physicochemical difference between glycine and arginine.

NM_004415.4(DSP):c.6046G>A (p.Gly2016Arg)

Gene: DSP (desmoplakin; plus strand). Cytogenetic location: 6p24.3.
Variant type: single nucleotide variant.
Coding change: c.6046G>A on transcript NM_004415.4 (MANE Select); coding-DNA position 6046, G replaced by A.
Protein change: p.Gly2016Arg; replaces glycine 2016 with arginine.
Molecular consequence: missense variant.
Genome position (GRCh38, 1-based): chr6:7,583,308, G>A. VCF-style: chr6-7583308-G-A. GRCh37 (hg19) VCF-style: chr6-7583541-G-A.
Other names: c.4249G>A, p.Gly1417Arg (NM_001008844.3); c.4717G>A, p.Gly1573Arg (NM_001319034.2); short protein forms G1417R, G1573R, G2016R.
Identifiers: ClinVar variation 954300 (VCV000954300.10), dbSNP rs1759513408, ClinGen allele CA362689971.